The following is an entry in ClinVar:

ClinVar aggregate classification (germline): Uncertain significance (1 of 4 stars; one submission).

Submission:

ISCA site 15
Classification: Uncertain significance. Last evaluated: 2011-08-12. Review status: criteria provided, single submitter. Criteria: Kaminsky et al. (Genet Med. 2011). Collection method: clinical testing. Allele origin: unknown, maternal. Affected: yes. Observed: 2 variant alleles.
Comment: Copy number variation identified through the course of routine clinical cytogenomic testing in postnatal populations. Clinical assertions have been curated as described in Kaminsky et al. 2011.

GRCh38/hg38 1q21.1(chr1:145694408-145802744)x1

Genes: CD160 (CD160 molecule; plus strand), PDZK1 (PDZ domain containing 1; minus strand), RNF115 (ring finger protein 115; minus strand), LOC126805849 (CDK7 strongly-dependent group 2 enhancer GRCh37_chr1:145727451-145728650; plus strand), LOC129388601 (MPRA-validated peak399 silencer; plus strand). Cytogenetic location: 1q21.1.
Variant type: copy number loss.
Change: copy number 1 (one copy instead of two) of chr1:145,694,408-145,802,744 (108.3 kb, GRCh38 coordinates, 1-based), cytogenetic band 1q21.1.
Identifiers: ClinVar variation 59724 (VCV000059724.1).